The following is an entry in ClinVar:

ClinVar aggregate classification (germline): Benign (1 of 4 stars; one submission).

Conditions:
Renal hypomagnesemia 6. Identifiers: Orphanet 34527, MedGen C3151295, MONDO:0013480, OMIM 613882.

Allele frequency attached by ClinVar (database versions not stated): gnomAD 0.00001; gnomAD exomes 0.00001 and 0.00002; TOPMed 0.00001; ExAC 0.00003.
gnomAD v4.1: 17 of 1,613,784 alleles (0.0011%); highest among the groups gnomAD compares: Admixed American, 0.0017%; no homozygotes.

Submission:

Illumina Laboratory Services, Illumina
Classification: Benign for Renal hypomagnesemia 6. Last evaluated: 2017-04-27. Review status: criteria provided, single submitter. Criteria: ICSL Variant Classification Criteria 13 December 2019. Collection method: clinical testing. Allele origin: germline.
Comment: This variant was observed as part of a predisposition screen in an ostensibly healthy population. A literature search was performed for the gene, cDNA change, and amino acid change (where applicable). No publications were found based on this search. Allele frequency data from public databases was too high to be consistent with this variant causing disease. Therefore, this variant is classified as benign.

NM_017649.5(CNNM2):c.1128C>T (p.Ile376=)

Gene: CNNM2 (cyclin and CBS domain divalent metal cation transport mediator 2; plus strand). Cytogenetic location: 10q24.32.
Variant type: single nucleotide variant.
Coding change: c.1128C>T on transcript NM_017649.5 (MANE Select); coding-DNA position 1128, C replaced by T.
Protein change: p.Ile376=; no amino-acid change (isoleucine 376 retained).
Molecular consequence: synonymous variant.
Genome position (GRCh38, 1-based): chr10:102,919,608, C>T. VCF-style: chr10-102919608-C-T. GRCh37 (hg19) VCF-style: chr10-104679365-C-T.
Other names: c.1128C>T, p.Ile376= (NM_199076.3, NM_199077.3).
Identifiers: ClinVar variation 879488 (VCV000879488.4), dbSNP rs770748859, ClinGen allele CA5670355.
Genomic context (GRCh38, chr10:102,919,608, plus strand): 5'-AGAGATCGTGCCCCAGGCCATCTGCTCCCGGCATGGCCTGGCTGTGGGGGCCAACACCAT[C>T]TTCCTCACCAAGTTTTTCATGATGATGACCTTCCCCGCTTCCTACCCGGTCAGCAAGCTG-3'
Protein context (NP_060119.3, residues 366-386): RHGLAVGANT[Ile376=]FLTKFFMMMT